The following is an entry in ClinVar:

NM_152703.5(SAMD9L):c.3343A>G (p.Lys1115Glu)

Gene: SAMD9L (sterile alpha motif domain containing 9 like; minus strand). Cytogenetic location: 7q21.2.
Variant type: single nucleotide variant.
Coding change: c.3343A>G on transcript NM_152703.5 (MANE Select); coding-DNA position 3343, A replaced by G.
Protein change: p.Lys1115Glu; replaces lysine 1115 with glutamic acid.
Molecular consequence: missense variant.
Genome position (GRCh38, 1-based): chr7:93,132,629, T>C on the plus strand (A>G on the coding strand, the complement: SAMD9L is on the minus strand). VCF-style: chr7-93132629-T-C. GRCh37 (hg19) VCF-style: chr7-92761942-T-C.
Other names: c.3343A>G, p.Lys1115Glu (NM_001303496.3, NM_001303497.3, NM_001303498.3 and 5 more transcripts); c.3343A>G (NM_152703.3); short protein forms K1115E.
Identifiers: ClinVar variation 3437128 (VCV003437128.2).
Genomic context (GRCh38, chr7:93,132,629, plus strand): 5'-ACCACCATTTGATTTCACTTTTGTAGACTTGACCTAGTGTATCTGAAATATAGGAATTTT[T>C]AGGTGCTTTCATTTTGGCCTGACGTGCCCAGTCCAGAGCTGTGTTAAAGTCCTTCTCTTT-3'
Protein context (NP_689916.2, residues 1105-1125): WARQAKMKAP[Lys1115Glu]NSYISDTLGQ

ClinVar aggregate classification (germline): Uncertain significance. Review status: criteria provided, multiple submitters, no conflicts (2 of 4 stars). 2 submissions from 2 submitters: Uncertain significance (2). Last evaluated 2024-10-02.

Conditions:
Inborn genetic diseases. Identifiers: MedGen C0950123, MeSH D030342.

gnomAD v4.1: 7 of 1,613,534 alleles (0.00043%); highest among the groups gnomAD compares: South Asian, 0.0055%; 1 homozygote.

Submissions (2):

Ambry Genetics
Classification: Uncertain significance for Inborn genetic diseases. Last evaluated: 2024-10-02. Review status: criteria provided, single submitter. Criteria: Ambry Variant Classification Scheme 2023. Collection method: clinical testing. Allele origin: germline.
Comment: The p.K1115E variant (also known as c.3343A>G), located in coding exon 1 of the SAMD9L gene, results from an A to G substitution at nucleotide position 3343. The lysine at codon 1115 is replaced by glutamic acid, an amino acid with similar properties. This amino acid position is conserved. In addition, this alteration is predicted to be tolerated by in silico analysis. Based on the available evidence, the clinical significance of this variant remains unclear.

GeneDx
Classification: Uncertain significance. Last evaluated: 2024-07-17. Review status: criteria provided, single submitter. Criteria: GeneDx Variant Classification Process June 2021. Collection method: clinical testing. Allele origin: germline. Affected: yes.
Comment: Not observed at significant frequency in large population cohorts (gnomAD); In silico analysis indicates that this missense variant does not alter protein structure/function; Has not been previously published as pathogenic or benign to our knowledge; This variant is associated with the following publications: (PMID: 28545555)